The following is an entry in ClinVar:

ClinVar aggregate classification (germline): Pathogenic. Review status: criteria provided, multiple submitters, no conflicts (2 of 4 stars). 2 submissions from 2 submitters: Pathogenic (2). Last evaluated 2025-05-08.

Conditions:
Cardiovascular phenotype. Identifiers: MedGen CN230736.
Danon disease. Also called: PSEUDOGLYCOGENOSIS II; GSD IIb; LYSOSOMAL GLYCOGEN STORAGE DISEASE WITHOUT ACID MALTASE DEFICIENCY; ANTOPOL DISEASE; Glycogen Storage Disease Type IIb. Identifiers: Orphanet 34587, MedGen C0878677, MONDO:0010281, OMIM 300257.

Submissions (2):

Labcorp Genetics (formerly Invitae), Labcorp
Classification: Pathogenic for Danon disease. Last evaluated: 2025-05-08. Review status: criteria provided, single submitter. Criteria: Invitae Variant Classification Sherloc (09022015). Collection method: clinical testing. Allele origin: germline.
Comment: This sequence change affects the initiator codon of the LAMP2 mRNA. This change may impact translation initiation or efficiency. The next in-frame methionine is located at codon 48. This variant is not present in population databases (gnomAD no frequency). Disruption of the initiator codon has been observed in individual(s) with Danon disease (PMID: 37288668). In at least one individual the variant was observed to be de novo. ClinVar contains an entry for this variant (Variation ID: 1523103). Algorithms developed to predict the effect of variants on gene product structure and function are not available or were not evaluated for this variant. Experimental studies have shown that disruption of the initiator codon affects LAMP2 function (PMID: 37288668). For these reasons, this variant has been classified as Pathogenic.

Ambry Genetics
Classification: Pathogenic for Cardiovascular phenotype. Last evaluated: 2025-02-12. Review status: criteria provided, single submitter. Criteria: Ambry Variant Classification Scheme 2023. Collection method: clinical testing. Allele origin: germline.
Comment: The p.M1? pathogenic mutation (also known as c.1A>C) is located in coding exon 1 of the LAMP2 gene and results from a A to C substitution at nucleotide position 1. This alters the methionine residue at the initiation codon (ATG). This variant is considered to be rare based on population cohorts in the Genome Aggregation Database (gnomAD). Sequence variations that modify the initiation codon are expected to result in either loss of translation initiation, N-terminal truncation, or cause a shift in the mRNA reading frame. Based on the supporting evidence, this variant is interpreted as a disease-causing mutation.

Literature cited by the submitters: PubMed 37288668 (cited by Labcorp Genetics (formerly Invitae), Labcorp).

NM_002294.3(LAMP2):c.1A>C (p.Met1Leu)

Gene: LAMP2 (lysosome associated membrane protein 2; minus strand). Cytogenetic location: Xq24.
Variant type: single nucleotide variant.
Coding change: c.1A>C on transcript NM_002294.3 (MANE Select); coding-DNA position 1, A replaced by C.
Protein change: p.Met1Leu; changes the start codon (methionine 1).
Molecular consequence: missense variant, initiator codon variant.
Genome position (GRCh38, 1-based): chrX:120,469,169, T>G on the plus strand (A>C on the coding strand, the complement: LAMP2 is on the minus strand). VCF-style: chrX-120469169-T-G. GRCh37 (hg19) VCF-style: chrX-119603024-T-G.
Other names: c.1A>C (NM_002294.2); c.1A>C, p.Met1Leu (NM_001122606.1, NM_013995.2); short protein forms M1L.
Identifiers: ClinVar variation 1523103 (VCV001523103.9), dbSNP rs1556124149, ClinGen allele CA414398169.